The following is an entry in ClinVar:

NM_207361.6(FREM2):c.6108C>T (p.Asp2036=)

Gene: FREM2 (FRAS1 related extracellular matrix 2; plus strand). Cytogenetic location: 13q13.3.
Variant type: single nucleotide variant.
Coding change: c.6108C>T on transcript NM_207361.6 (MANE Select); coding-DNA position 6108, C replaced by T.
Protein change: p.Asp2036=; no amino-acid change (aspartic acid 2036 retained).
Molecular consequence: synonymous variant.
Genome position (GRCh38, 1-based): chr13:38,846,661, C>T. VCF-style: chr13-38846661-C-T. GRCh37 (hg19) VCF-style: chr13-39420798-C-T.
Other names: c.6108C>T (NM_207361.5).
Identifiers: ClinVar variation 1646257 (VCV001646257.11), dbSNP rs200508468, ClinGen allele CA6955451.

ClinVar aggregate classification (germline): Likely benign. Review status: criteria provided, multiple submitters, no conflicts (2 of 4 stars). 3 submissions from 3 submitters: Likely benign (2). 1 of the submissions does not count toward it. Last evaluated 2026-01-11.

Conditions:
FREM2-related disorder. Also called: FREM2-related condition.

Allele frequency attached by ClinVar (database versions not stated): ExAC 0.00006; gnomAD exomes 0.00006; 1000 Genomes Project 30x 0.00016; 1000 Genomes Project 0.00020.
gnomAD v4.1: 61 of 1,613,812 alleles (0.0038%); highest among the groups gnomAD compares: South Asian, 0.057%; 1 homozygote.

Submissions (3):

Labcorp Genetics (formerly Invitae), Labcorp
Classification: Likely benign. Last evaluated: 2026-01-11. Review status: criteria provided, single submitter. Criteria: Invitae Variant Classification Sherloc (09022015). Collection method: clinical testing. Allele origin: germline.

Blueprint Genetics
Classification: Likely benign. Last evaluated: 2024-11-26. Review status: criteria provided, single submitter. Criteria: ACMG Guidelines, 2015. Collection method: clinical testing. Allele origin: germline.

PreventionGenetics, part of Exact Sciences
Classification: Likely benign for FREM2-related condition. Last evaluated: 2023-09-13. Review status: no assertion criteria provided. Collection method: clinical testing. Allele origin: germline. Not counted in ClinVar's aggregate classification.
Comment: This variant is classified as likely benign based on ACMG/AMP sequence variant interpretation guidelines (Richards et al. 2015 PMID: 25741868, with internal and published modifications).